The following is an entry in ClinVar:

ClinVar aggregate classification (germline): Likely benign. Review status: criteria provided, multiple submitters, no conflicts (2 of 4 stars). 2 submissions from 2 submitters: Likely benign (2). Last evaluated 2026-02-01.

Allele frequency attached by ClinVar (database versions not stated): ExAC 0.00001; gnomAD 0.00001.
gnomAD v4.1: 12 of 1,579,302 alleles (0.00076%); highest among the groups gnomAD compares: South Asian, 0.01%; no homozygotes.

Submissions (2):

CeGaT Center for Human Genetics Tuebingen
Classification: Likely benign. Last evaluated: 2026-02-01. Review status: criteria provided, single submitter. Criteria: CeGaT Center For Human Genetics Tuebingen Variant Classification Criteria Version 2. Collection method: clinical testing. Allele origin: germline. Affected: yes. Observed: 1 variant allele.
Comment: CLTC: BP4

Labcorp Genetics (formerly Invitae), Labcorp
Classification: Likely benign. Last evaluated: 2025-07-28. Review status: criteria provided, single submitter. Criteria: Invitae Variant Classification Sherloc (09022015). Collection method: clinical testing. Allele origin: germline.

NM_004859.4(CLTC):c.795+7T>C

Gene: CLTC (clathrin heavy chain; plus strand). Cytogenetic location: 17q23.1.
Variant type: single nucleotide variant.
Coding change: c.795+7T>C on transcript NM_004859.4 (MANE Select); 7 bases into the intron after coding-DNA position 795, T replaced by C.
Molecular consequence: intron variant.
Genome position (GRCh38, 1-based): chr17:59,651,323, T>C. VCF-style: chr17-59651323-T-C. GRCh37 (hg19) VCF-style: chr17-57728684-T-C.
Other names: c.807+7T>C (NM_001288653.2).
Identifiers: ClinVar variation 2103191 (VCV002103191.8), dbSNP rs765234411, ClinGen allele CA8681108.